The following is an entry in ClinVar:

ClinVar aggregate classification (germline): Uncertain significance (1 of 4 stars; one submission).

Conditions:
Hereditary sensory and autonomic neuropathy type 6. Also called: HSAN VI; Neuropathy, hereditary sensory and autonomic, type VI. Identifiers: Orphanet 314381, MedGen C3539003, MONDO:0013839, OMIM 614653.
Epidermolysis bullosa simplex 3, localized or generalized intermediate, with BP230 deficiency (EBS3). Also called: Epidermolysis bullosa simplex, autosomal recessive 2; Epidermolysis bullosa simplex due to BP230 deficiency. Identifiers: Orphanet 412181, MedGen C3809470, MONDO:0014180, OMIM 615425.

Allele frequency attached by ClinVar (database versions not stated): TOPMed 0.00002.
gnomAD v4.1: 6 of 1,614,008 alleles (0.00037%); highest among the groups gnomAD compares: African/African-American, 0.0053%; no homozygotes.

Submission:

Labcorp Genetics (formerly Invitae), Labcorp
Classification: Uncertain significance for Epidermolysis bullosa simplex 3, localized or generalized intermediate, with BP230 deficiency; Hereditary sensory and autonomic neuropathy type 6. Last evaluated: 2019-05-10. Review status: criteria provided, single submitter. Criteria: Invitae Variant Classification Sherloc (09022015). Collection method: clinical testing. Allele origin: germline.
Comment: This variant is present in population databases (rs528372361, ExAC 0.01%). In summary, the available evidence is currently insufficient to determine the role of this variant in disease. Therefore, it has been classified as a Variant of Uncertain Significance. Algorithms developed to predict the effect of missense changes on protein structure and function do not agree on the potential impact of this missense change (SIFT: "Deleterious"; PolyPhen-2: "Benign"; Align-GVGD: "Class C65"). This variant has not been reported in the literature in individuals with DST-related disease. This sequence change replaces arginine with leucine at codon 1125 of the DST protein (p.Arg1125Leu). The arginine residue is highly conserved and there is a moderate physicochemical difference between arginine and leucine.

NM_001723.7(DST):c.3374G>T (p.Arg1125Leu)

Gene: DST (dystonin; minus strand). Cytogenetic location: 6p12.1.
Variant type: single nucleotide variant.
Coding change: c.3374G>T on transcript NM_001723.7 (MANE Plus Clinical); coding-DNA position 3374, G replaced by T.
Protein change: p.Arg1125Leu; replaces arginine 1125 with leucine.
Molecular consequence: missense variant. On other transcripts: intron variant (10).
Genome position (GRCh38, 1-based): chr6:56,620,660, C>A on the plus strand (G>T on the coding strand, the complement: DST is on the minus strand). VCF-style: chr6-56620660-C-A. GRCh37 (hg19) VCF-style: chr6-56485458-C-A.
Other names: c.4830+3870G>T (NM_001144769.5); c.4929+3870G>T (NM_001374722.1, NM_001374736.1); c.4956+3870G>T (NM_001374734.1); c.4416+3870G>T (NM_001144770.2); c.4296+3870G>T (NM_001374730.1, NM_001386100.1, NM_183380.4 and 1 more transcripts); c.3318+3870G>T (NM_015548.5); short protein forms R1125L.
Identifiers: ClinVar variation 541467 (VCV000541467.10), dbSNP rs528372361, ClinGen allele CA3870724.
Genomic context (GRCh38, chr6:56,620,660, plus strand): 5'-CTTTCCAACTCACTTATCTTTCCTGTAAGTTTGCTATTCTCAAGCACTGTTGCCTTCTGA[C>A]GCTGAAGCAGATCTGAATATGCCCCATGTTCAGAAGTCTCCTTACACCTTTTAATCTACA-3'
Protein context (NP_001714.1, residues 1115-1135): EHGAYSDLLQ[Arg1125Leu]QKATVLENSK